The following is an entry in ClinVar:

ClinVar aggregate classification (germline): Uncertain significance (1 of 4 stars; one submission).

Conditions:
Arrhythmogenic right ventricular dysplasia 11. Also called: ARRHYTHMOGENIC RIGHT VENTRICULAR DYSPLASIA, FAMILIAL, 11; Arrhythmogenic Right Ventricular Dysplasia/Cardiomyopathy11; Arrhythmogenic right ventricular dysplasia 11 with mild palmoplantar keratoderma and woolly hair. Identifiers: MedGen C1864850, MONDO:0012506, OMIM 610476.

gnomAD v4.1: 1 of 1,613,956 alleles (0.000062%); highest among the groups gnomAD compares: South Asian, 0.0011%; no homozygotes.

Submission:

Labcorp Genetics (formerly Invitae), Labcorp
Classification: Uncertain significance for Arrhythmogenic right ventricular dysplasia 11. Last evaluated: 2025-07-27. Review status: criteria provided, single submitter. Criteria: Invitae Variant Classification Sherloc (09022015). Collection method: clinical testing. Allele origin: germline.
Comment: This sequence change replaces isoleucine, which is neutral and non-polar, with valine, which is neutral and non-polar, at codon 566 of the DSC2 protein (p.Ile566Val). This variant is not present in population databases (gnomAD no frequency). This variant has not been reported in the literature in individuals affected with DSC2-related conditions. Invitae Evidence Modeling of protein sequence and biophysical properties (such as structural, functional, and spatial information, amino acid conservation, physicochemical variation, residue mobility, and thermodynamic stability) indicates that this missense variant is not expected to disrupt DSC2 protein function with a negative predictive value of 80%. In summary, the available evidence is currently insufficient to determine the role of this variant in disease. Therefore, it has been classified as a Variant of Uncertain Significance.

NM_024422.6(DSC2):c.1696A>G (p.Ile566Val)

Gene: DSC2 (desmocollin 2; minus strand). Cytogenetic location: 18q12.1.
Variant type: single nucleotide variant.
Coding change: c.1696A>G on transcript NM_024422.6 (MANE Select); coding-DNA position 1696, A replaced by G.
Protein change: p.Ile566Val; replaces isoleucine 566 with valine.
Molecular consequence: missense variant.
Genome position (GRCh38, 1-based): chr18:31,074,875, T>C on the plus strand (A>G on the coding strand, the complement: DSC2 is on the minus strand). VCF-style: chr18-31074875-T-C. GRCh37 (hg19) VCF-style: chr18-28654841-T-C.
Other names: c.1267A>G, p.Ile423Val (NM_001406506.1, NM_001406507.1); c.1696A>G, p.Ile566Val (NM_004949.5); short protein forms I423V, I566V.
Identifiers: ClinVar variation 4799341 (VCV004799341.1).
Genomic context (GRCh38, chr18:31,074,875, plus strand): 5'-TGCAGATGATCACTGTCTTTTTAGGTATGAATGGGCTGTTATCATTCACGTCTTGAAGTA[T>C]AATGCCCAGTGTCCCCGTACATGTTCTCCCTCCTAGAAAAATGAAAATAAAAATAGTTTT-3'
Protein context (NP_077740.1, residues 556-576): GRTCTGTLGI[Ile566Val]LQDVNDNSPF